The following is an entry in ClinVar:

NM_015340.4(LARS2):c.2211T>C (p.Ser737=)

Gene: LARS2 (leucyl-tRNA synthetase 2, mitochondrial; plus strand). Cytogenetic location: 3p21.31.
Variant type: single nucleotide variant.
Coding change: c.2211T>C on transcript NM_015340.4 (MANE Select); coding-DNA position 2211, T replaced by C.
Protein change: p.Ser737=; no amino-acid change (serine 737 retained).
Molecular consequence: synonymous variant.
Genome position (GRCh38, 1-based): chr3:45,518,069, T>C. VCF-style: chr3-45518069-T-C. GRCh37 (hg19) VCF-style: chr3-45559561-T-C.
Other names: c.2211T>C, p.Ser737= (NM_001368263.1).
Identifiers: ClinVar variation 227489 (VCV000227489.24), dbSNP rs371382425, ClinGen allele CA2349800.

ClinVar aggregate classification (germline): Likely benign. Review status: criteria provided, multiple submitters, no conflicts (2 of 4 stars). 6 submissions from 6 submitters: Likely benign (6). Last evaluated 2026-09-01.

Allele frequency attached by ClinVar (database versions not stated): ESP Exome Variant Server 0.00023; gnomAD 0.00023 and 0.00051; gnomAD exomes 0.00023 and 0.00036; ExAC 0.00031; TOPMed 0.00069.
gnomAD v4.1: 580 of 1,611,260 alleles (0.036%); highest among the groups gnomAD compares: Non-Finnish European, 0.044%; no homozygotes.

Submissions (6):

CeGaT Center for Human Genetics Tuebingen
Classification: Likely benign. Last evaluated: 2026-09-01. Review status: criteria provided, single submitter. Criteria: CeGaT Center For Human Genetics Tuebingen Variant Classification Criteria Version 2. Collection method: clinical testing. Allele origin: germline. Affected: yes. Observed: 3 variant alleles.
Comment: LARS2: BP4, BP7

Labcorp Genetics (formerly Invitae), Labcorp
Classification: Likely benign. Last evaluated: 2025-11-27. Review status: criteria provided, single submitter. Criteria: Invitae Variant Classification Sherloc (09022015). Collection method: clinical testing. Allele origin: germline.

Blueprint Genetics
Classification: Likely benign. Last evaluated: 2024-09-09. Review status: criteria provided, single submitter. Criteria: ACMG Guidelines, 2015. Collection method: clinical testing. Allele origin: germline.

GeneDx
Classification: Likely benign. Last evaluated: 2017-10-17. Review status: criteria provided, single submitter. Criteria: GeneDx Variant Classification (06012015). Collection method: clinical testing. Allele origin: germline. Affected: yes.
Comment: This variant is considered likely benign or benign based on one or more of the following criteria: it is a conservative change, it occurs at a poorly conserved position in the protein, it is predicted to be benign by multiple in silico algorithms, and/or has population frequency not consistent with disease.

ARUP Laboratories, Molecular Genetics and Genomics, ARUP Laboratories
Classification: Likely benign. Last evaluated: 2017-09-15. Review status: criteria provided, single submitter. Criteria: ARUP Molecular Germline Variant Investigation Process. Collection method: clinical testing. Allele origin: germline.
Comment: The c.2211T>C variant (rs371382425) has not been previously associated with any mitochondrial disorder and is listed in the ClinVar database as likely benign (Variation ID: 227489). This variant is rare in the general population, and is listed in the Genome Aggregation Database (gnomAD) browser with an overall frequency of 0.04% (identified in 52 out of 125,904 chromosomes). However, this variant affects a weakly conserved nucleotide (Alamut software v 2.9), does not alter the amino acid sequence of LARS2 protein, and is not predicted to alter LARS2 mRNA splicing (Alamut software v 2.9). Therefore, the c.2211T>C variant is likely to be benign.

Laboratory for Molecular Medicine, Mass General Brigham Personalized Medicine
Classification: Likely benign. Last evaluated: 2015-12-22. Review status: criteria provided, single submitter. Criteria: LMM Criteria. Collection method: clinical testing. Allele origin: germline. Observed: 1 variant allele.
Comment: p.Ser737Ser in exon 18 of LARS2: This variant is not expected to have clinical s ignificance because it does not alter an amino acid residue and is not located w ithin the splice consensus sequence. It has been identified in 31/65550 European chromosomes by the Exome Aggregation Consortium (ExAC; dbSNP rs371382425).